The following is an entry in ClinVar:

NC_000010.10:g.(?_56423912)_(56424022_?)dup

Gene: PCDH15 (protocadherin related 15; minus strand). Cytogenetic location: 10q21.1.
Variant type: Duplication.
Identifiers: ClinVar variation 1445225 (VCV001445225.4).

ClinVar aggregate classification (germline): Uncertain significance (1 of 4 stars; one submission).

Submission:

Labcorp Genetics (formerly Invitae), Labcorp
Classification: Uncertain significance. Last evaluated: 2022-10-03. Review status: criteria provided, single submitter. Criteria: Invitae Variant Classification Sherloc (09022015). Collection method: clinical testing. Allele origin: germline.
Comment: This variant results in a copy number gain of the genomic region encompassing exon(s) 2 of the PCDH15 gene. This region includes the initiator codon of the gene. This copy number gain extends beyond the assayed region for this gene and therefore may encompass additional genes. As the precise location of this event is unknown, it may be in tandem or it may be located elsewhere in the genome. This variant has not been reported in the literature in individuals affected with PCDH15-related conditions. Experimental studies and prediction algorithms are not available or were not evaluated, and the functional significance of this variant is currently unknown. In summary, the available evidence is currently insufficient to determine the role of this variant in disease. Therefore, it has been classified as a Variant of Uncertain Significance.